The following is an entry in ClinVar:

NM_015047.3(EMC1):c.2773G>A (p.Ala925Thr)

Genes: EMC1 (ER membrane protein complex subunit 1; minus strand), EMC1-AS1 (EMC1 antisense RNA 1; plus strand). Cytogenetic location: 1p36.13.
Variant type: single nucleotide variant.
Coding change: c.2773G>A on transcript NM_015047.3 (MANE Select); coding-DNA position 2773, G replaced by A.
Protein change: p.Ala925Thr; replaces alanine 925 with threonine.
Molecular consequence: missense variant.
Genome position (GRCh38, 1-based): chr1:19,219,598, C>T on the plus strand (G>A on the coding strand, the complement: EMC1 is on the minus strand). VCF-style: chr1-19219598-C-T. GRCh37 (hg19) VCF-style: chr1-19546092-C-T.
Other names: c.2773G>A (NM_015047.1); c.2770G>A, p.Ala924Thr (NM_001271427.2, NM_001271428.2); c.2707G>A, p.Ala903Thr (NM_001271429.2); c.2782G>A, p.Ala928Thr (NM_001375820.1); c.2779G>A, p.Ala927Thr (NM_001375821.1); short protein forms A927T, A928T, A925T, A903T, A924T.
Identifiers: ClinVar variation 1437438 (VCV001437438.7), dbSNP rs1267820277, ClinGen allele CA338749770.
Genomic context (GRCh38, chr1:19,219,598, plus strand): 5'-GTGAAATAGGGCAGCTGTGGGCTCTACTCACCAAACAAGTGGACTCCAGACCCGAGGGAG[C>T]TGTGTAGATACCTCGCATTCGAGAAACTGTCTGGTTATAGTTGATGAATCGCTCTGCGTG-3'
Protein context (NP_055862.1, residues 915-935): TVSRMRGIYT[Ala925Thr]PSGLESTCLV

ClinVar aggregate classification (germline): Uncertain significance. Review status: criteria provided, multiple submitters, no conflicts (2 of 4 stars). 2 submissions from 2 submitters: Uncertain significance (2). Last evaluated 2024-02-26.

Conditions:
Inborn genetic diseases. Identifiers: MedGen C0950123, MeSH D030342.

Allele frequency attached by ClinVar (database versions not stated): gnomAD exomes below 0.00001 and 0.00001.
gnomAD v4.1: 4 of 1,614,124 alleles (0.00025%); highest among the groups gnomAD compares: East Asian, 0.0089%; no homozygotes.

Submissions (2):

Labcorp Genetics (formerly Invitae), Labcorp
Classification: Uncertain significance. Last evaluated: 2024-02-26. Review status: criteria provided, single submitter. Criteria: Invitae Variant Classification Sherloc (09022015). Collection method: clinical testing. Allele origin: germline.
Comment: This sequence change replaces alanine, which is neutral and non-polar, with threonine, which is neutral and polar, at codon 925 of the EMC1 protein (p.Ala925Thr). This variant is present in population databases (no rsID available, gnomAD 0.01%). This variant has not been reported in the literature in individuals affected with EMC1-related conditions. ClinVar contains an entry for this variant (Variation ID: 1437438). Advanced modeling of protein sequence and biophysical properties (such as structural, functional, and spatial information, amino acid conservation, physicochemical variation, residue mobility, and thermodynamic stability) has been performed at Invitae for this missense variant, however the output from this modeling did not meet the statistical confidence thresholds required to predict the impact of this variant on EMC1 protein function. In summary, the available evidence is currently insufficient to determine the role of this variant in disease. Therefore, it has been classified as a Variant of Uncertain Significance.

Ambry Genetics
Classification: Uncertain significance for Inborn genetic diseases. Last evaluated: 2021-08-30. Review status: criteria provided, single submitter. Criteria: Ambry Variant Classification Scheme 2023. Collection method: clinical testing. Allele origin: germline.